The following is an entry in ClinVar:

NM_001378615.1(CC2D2A):c.2197G>T (p.Gly733Ter)

Genes: CC2D2A (coiled-coil and C2 domain containing 2A; plus strand), FBXL5 (F-box and leucine rich repeat protein 5; minus strand). Cytogenetic location: 4p15.32.
Variant type: single nucleotide variant.
Coding change: c.2197G>T on transcript NM_001378615.1 (MANE Select); coding-DNA position 2197, G replaced by T.
Protein change: p.Gly733Ter; replaces glycine 733 with a stop codon.
Molecular consequence: nonsense.
Genome position (GRCh38, 1-based): chr4:15,550,839, G>T. VCF-style: chr4-15550839-G-T. GRCh37 (hg19) VCF-style: chr4-15552462-G-T.
Other names: c.2197G>T, p.Gly733Ter (NM_001080522.2); c.2050G>T, p.Gly684Ter (NM_001378617.1); short protein forms G684*, G733*.
Identifiers: ClinVar variation 5014384 (VCV005014384.1).

ClinVar aggregate classification (germline): Pathogenic (1 of 4 stars; one submission).

Conditions:
Joubert syndrome and related disorders. Identifiers: Orphanet 140874, MedGen C5679612, MONDO:0015369.

Submission:

Myriad Genetics, Inc.
Classification: Pathogenic for Joubert syndrome and related disorders. Last evaluated: 2025-05-05. Review status: criteria provided, single submitter. Criteria: Myriad Autosomal Dominant, Autosomal Recessive and X-Linked Classification Criteria (2023). Collection method: clinical testing. Allele origin: unknown.
Comment: NM_001080522.2(CC2D2A):c.2197G>T(G733*) is expected to be pathogenic in the context of CC2D2A-related disorders. This variant is predicted to lead to an abnormal or absent protein product due to the creation of a premature termination codon in CC2D2A, a gene where loss-of-function variants are known to be pathogenic. Please note: this variant was assessed in the context of healthy population screening.